The following is an entry in ClinVar:

ClinVar aggregate classification (germline): Uncertain significance (1 of 4 stars; one submission).

Submission:

GeneDx
Classification: Uncertain significance. Last evaluated: 2025-04-15. Review status: criteria provided, single submitter. Criteria: GeneDx Variant Classification Process June 2021. Collection method: clinical testing. Allele origin: germline. Affected: yes.
Comment: Not observed at significant frequency in large population cohorts (gnomAD); In silico analysis supports that this missense variant has a deleterious effect on protein structure/function; Has not been previously published as pathogenic or benign to our knowledge

NM_005121.3(MED13):c.5575A>G (p.Arg1859Gly)

Gene: MED13 (mediator complex subunit 13; minus strand). Cytogenetic location: 17q23.2.
Variant type: single nucleotide variant.
Coding change: c.5575A>G on transcript NM_005121.3 (MANE Select); coding-DNA position 5575, A replaced by G.
Protein change: p.Arg1859Gly; replaces arginine 1859 with glycine.
Molecular consequence: missense variant.
Genome position (GRCh38, 1-based): chr17:61,956,387, T>C on the plus strand (A>G on the coding strand, the complement: MED13 is on the minus strand). VCF-style: chr17-61956387-T-C. GRCh37 (hg19) VCF-style: chr17-60033748-T-C.
Other names: short protein forms R1859G.
Identifiers: ClinVar variation 4282144 (VCV004282144.1).
Genomic context (GRCh38, chr17:61,956,387, plus strand): 5'-GCACAATTTTACCTTTCAATTCTCCATGACCAATCCTTCCTAGACGACCAATTACAACTC[T>C]CCATGGCAATGAACTCATTTGTACAAGTCCTAAGCACCACTCCCAAAGTTTCTGTAGACC-3'
Protein context (NP_005112.2, residues 1849-1869): GLVQMSSLPW[Arg1859Gly]VVIGRLGRIG